The following is an entry in ClinVar:

NM_000824.5(GLRB):c.500G>T (p.Arg167Leu)

Gene: GLRB (glycine receptor beta; plus strand). Cytogenetic location: 4q32.1.
Variant type: single nucleotide variant.
Coding change: c.500G>T on transcript NM_000824.5 (MANE Select); coding-DNA position 500, G replaced by T.
Protein change: p.Arg167Leu; replaces arginine 167 with leucine.
Molecular consequence: missense variant.
Genome position (GRCh38, 1-based): chr4:157,136,671, G>T. VCF-style: chr4-157136671-G-T. GRCh37 (hg19) VCF-style: chr4-158057823-G-T.
Other names: c.500G>T, p.Arg167Leu (NM_001166060.2, NM_001166061.2); short protein forms R167L.
Identifiers: ClinVar variation 1939001 (VCV001939001.4), dbSNP rs200253694, ClinGen allele CA109163919.

ClinVar aggregate classification (germline): Uncertain significance (1 of 4 stars; one submission).

Conditions:
Hyperekplexia 2 (HKPX2). Identifiers: Orphanet 3197, MedGen C3553291, MONDO:0013828, OMIM 614619.

gnomAD v4.1: 1 of 1,609,432 alleles (0.000062%); highest among the groups gnomAD compares: Non-Finnish European, 0.000085%; no homozygotes.

Submission:

Labcorp Genetics (formerly Invitae), Labcorp
Classification: Uncertain significance for Hyperekplexia 2. Last evaluated: 2024-10-23. Review status: criteria provided, single submitter. Criteria: Invitae Variant Classification Sherloc (09022015). Collection method: clinical testing. Allele origin: germline.
Comment: This sequence change replaces arginine, which is basic and polar, with leucine, which is neutral and non-polar, at codon 167 of the GLRB protein (p.Arg167Leu). This variant is not present in population databases (gnomAD no frequency). This variant has not been reported in the literature in individuals affected with GLRB-related conditions. ClinVar contains an entry for this variant (Variation ID: 1939001). Invitae Evidence Modeling of protein sequence and biophysical properties (such as structural, functional, and spatial information, amino acid conservation, physicochemical variation, residue mobility, and thermodynamic stability) indicates that this missense variant is not expected to disrupt GLRB protein function with a negative predictive value of 80%. In summary, the available evidence is currently insufficient to determine the role of this variant in disease. Therefore, it has been classified as a Variant of Uncertain Significance.